The following is an entry in ClinVar:

ClinVar aggregate classification (germline): Likely pathogenic. Review status: reviewed by expert panel (3 of 4 stars). 2 submissions from 2 submitters: Likely pathogenic (1). 1 of the submissions does not count toward it. Last evaluated 2021-12-21.

Conditions:
Glanzmann thrombasthenia. Also called: THROMBASTHENIA OF GLANZMANN AND NAEGELI; BLEEDING DISORDER, PLATELET-TYPE, 2; Thrombasthenia; PLATELET GLYCOPROTEIN IIb-IIIa DEFICIENCY; Glanzmann's thrombasthenia. Identifiers: Orphanet 849, MedGen C0040015, MONDO:0100326.

Allele frequency attached by ClinVar (database versions not stated): gnomAD exomes below 0.00001.
gnomAD v4.1: 1 of 1,614,084 alleles (0.000062%); highest among the groups gnomAD compares: African/African-American, 0.0013%; no homozygotes.

Submissions (2):

ClinGen Platelet Disorders Variant Curation Expert Panel, ClinGen
Classification: Likely pathogenic for Glanzmann thrombasthenia. Last evaluated: 2021-12-21. Review status: reviewed by expert panel. Criteria: ClinGen Platelet ACMG Specifications v2. Collection method: curation. Allele origin: germline. Inheritance: Autosomal recessive inheritance.
Comment: The NM_000212.3(ITGB3):c.1495T>C (p.Cys499Arg) missense variant has been reported in at least two Glanzmann thrombasthenia patients (PMIDs: 29675921, 30138987). Patient GT25 of PMID: 29675921 displayed mucocutaneous bleeding, impaired aggregation with all agonists except ristocetin, and reduced surface expression of αIIbβ3 measured by flow cytometry (PP4_strong). GT25 of PMID: 29675921 is homozygous for this variant and Case 7 of PMID: 30138987 is compound heterozygous for Cys499Arg and pathogenic variant c.1728del (PM3). This variant is absent from gnomAD v2.1.1 (PM2_Supporting). The computational predictor REVEL gives a score of 0.914 (PP3). In summary, this variant meets the criteria to be classified as Likely Pathogenic for autosomal recessive Glanzmann Thrombasthenia based on the ACMG/AMP criteria applied, as specified by the ClinGen PD VCEP: PP4_strong, PM3, PM2_supporitng, PP3. (VCEP specifications version 2; date of approval 12/21/2021).

Labcorp Genetics (formerly Invitae), Labcorp
Classification: Likely pathogenic. Last evaluated: 2023-10-23. Review status: criteria provided, single submitter. Criteria: Invitae Variant Classification Sherloc (09022015). Collection method: clinical testing. Allele origin: germline. Not counted in ClinVar's aggregate classification.
Comment: This sequence change replaces cysteine, which is neutral and slightly polar, with arginine, which is basic and polar, at codon 499 of the ITGB3 protein (p.Cys499Arg). This variant is not present in population databases (gnomAD no frequency). This missense change has been observed in individuals with autosomal recessive Glanzmann thrombasthenia (PMID: 29675921, 30138987; Invitae). ClinVar contains an entry for this variant (Variation ID: 1330310). Advanced modeling of protein sequence and biophysical properties (such as structural, functional, and spatial information, amino acid conservation, physicochemical variation, residue mobility, and thermodynamic stability) performed at Invitae indicates that this missense variant is expected to disrupt ITGB3 protein function with a positive predictive value of 80%. In summary, the currently available evidence indicates that the variant is pathogenic, but additional data are needed to prove that conclusively. Therefore, this variant has been classified as Likely Pathogenic.

Literature cited by the submitters: PubMed 29675921 (cited by Labcorp Genetics (formerly Invitae), Labcorp); PubMed 30138987 (cited by Labcorp Genetics (formerly Invitae), Labcorp).

NM_000212.3(ITGB3):c.1495T>C (p.Cys499Arg)

Gene: ITGB3 (integrin subunit beta 3; plus strand). Cytogenetic location: 17q21.32.
Variant type: single nucleotide variant.
Coding change: c.1495T>C on transcript NM_000212.3 (MANE Select); coding-DNA position 1495, T replaced by C.
Protein change: p.Cys499Arg; replaces cysteine 499 with arginine.
Molecular consequence: missense variant.
Genome position (GRCh38, 1-based): chr17:47,292,373, T>C. VCF-style: chr17-47292373-T-C. GRCh37 (hg19) VCF-style: chr17-45369739-T-C.
Other names: NM_000212.3:c.1495T>C; short protein forms C499R.
Identifiers: ClinVar variation 1330310 (VCV001330310.4), dbSNP rs2143113460, ClinGen allele CA400029525.